The following is an entry in ClinVar:

NM_000441.2(SLC26A4):c.415+1G>C

Gene: SLC26A4 (solute carrier family 26 member 4; plus strand). Cytogenetic location: 7q22.3.
Variant type: single nucleotide variant.
Coding change: c.415+1G>C on transcript NM_000441.2 (MANE Select); the canonical splice donor site of the intron after coding-DNA position 415, G replaced by C.
Molecular consequence: splice donor variant.
Genome position (GRCh38, 1-based): chr7:107,672,249, G>C. VCF-style: chr7-107672249-G-C. GRCh37 (hg19) VCF-style: chr7-107312694-G-C.
Identifiers: ClinVar variation 1346233 (VCV001346233.8), dbSNP rs2129311278, ClinGen allele CA368847361.

ClinVar aggregate classification (germline): Likely pathogenic (1 of 4 stars; one submission).

Submission:

Labcorp Genetics (formerly Invitae), Labcorp
Classification: Likely pathogenic. Last evaluated: 2021-03-03. Review status: criteria provided, single submitter. Criteria: Invitae Variant Classification Sherloc (09022015). Collection method: clinical testing. Allele origin: germline.
Comment: In summary, the currently available evidence indicates that the variant is pathogenic, but additional data are needed to prove that conclusively. Therefore, this variant has been classified as Likely Pathogenic. Algorithms developed to predict the effect of sequence changes on RNA splicing suggest that this variant may disrupt the consensus splice site, but this prediction has not been confirmed by published transcriptional studies. Disruption of this splice site has been observed in individual(s) with nonsyndromic deafness (PMID: 21154317). This variant is not present in population databases (ExAC no frequency). This sequence change affects a donor splice site in intron 4 of the SLC26A4 gene. It is expected to disrupt RNA splicing. Variants that disrupt the donor or acceptor splice site typically lead to a loss of protein function (PMID: 16199547), and loss-of-function variants in SLC26A4 are known to be pathogenic (PMID: 16283880, 25394566, 26252218, 26445815).

Literature cited by the submitters: PubMed 21154317; PubMed 16199547; PubMed 16283880; PubMed 25394566; PubMed 26252218; PubMed 26445815.